The following is an entry in ClinVar:

ClinVar aggregate classification (germline): Uncertain significance (1 of 4 stars; one submission).

Submission:

GeneDx
Classification: Uncertain significance. Last evaluated: 2025-05-01. Review status: criteria provided, single submitter. Criteria: GeneDx Variant Classification Process June 2021. Collection method: clinical testing. Allele origin: germline. Affected: yes.
Comment: Not observed at significant frequency in large population cohorts (gnomAD); In silico analysis suggests that this missense variant does not alter protein structure/function; Has not been previously published as pathogenic or benign to our knowledge

NM_000092.5(COL4A4):c.4425C>A (p.Asp1475Glu)

Gene: COL4A4 (collagen type IV alpha 4 chain; minus strand). Cytogenetic location: 2q36.3.
Variant type: single nucleotide variant.
Coding change: c.4425C>A on transcript NM_000092.5 (MANE Select); coding-DNA position 4425, C replaced by A.
Protein change: p.Asp1475Glu; replaces aspartic acid 1475 with glutamic acid.
Molecular consequence: missense variant.
Genome position (GRCh38, 1-based): chr2:227,010,410, G>T on the plus strand (C>A on the coding strand, the complement: COL4A4 is on the minus strand). VCF-style: chr2-227010410-G-T. GRCh37 (hg19) VCF-style: chr2-227875126-G-T.
Other names: short protein forms D1475E.
Identifiers: ClinVar variation 4527361 (VCV004527361.1).